The following is an entry in ClinVar:

ClinVar aggregate classification (germline): Uncertain significance (1 of 4 stars; one submission).

Submission:

Labcorp Genetics (formerly Invitae), Labcorp
Classification: Uncertain significance. Last evaluated: 2025-07-06. Review status: criteria provided, single submitter. Criteria: Invitae Variant Classification Sherloc (09022015). Collection method: clinical testing. Allele origin: germline.
Comment: This sequence change affects an acceptor splice site in intron 14 of the CTNNB1 gene. While this variant is not anticipated to result in nonsense mediated decay, it likely alters RNA splicing and results in a disrupted protein product. This variant is not present in population databases (gnomAD no frequency). This variant has not been reported in the literature in individuals affected with CTNNB1-related conditions. Variants that disrupt the consensus splice site are a relatively common cause of aberrant splicing (PMID: 17576681, 9536098). Algorithms developed to predict the effect of sequence changes on RNA splicing suggest that this variant may disrupt the consensus splice site. In summary, the available evidence is currently insufficient to determine the role of this variant in disease. Therefore, it has been classified as a Variant of Uncertain Significance.

Literature cited by the submitters: PubMed 17576681; PubMed 9536098.

NM_001904.4(CTNNB1):c.2138-2A>C

Gene: CTNNB1 (catenin beta 1; plus strand). Cytogenetic location: 3p22.1.
Variant type: single nucleotide variant.
Coding change: c.2138-2A>C on transcript NM_001904.4 (MANE Select); the canonical splice acceptor site of the intron before coding-DNA position 2138, A replaced by C.
Molecular consequence: splice acceptor variant. On other transcripts: intron variant (2).
Genome position (GRCh38, 1-based): chr3:41,239,132, A>C. VCF-style: chr3-41239132-A-C. GRCh37 (hg19) VCF-style: chr3-41280623-A-C.
Other names: c.2117-2A>C (NM_001330729.2); c.2138-2A>C (NM_001098209.2, NM_001098210.2, NM_001438873.1 and 2 more transcripts); c.2077-528A>C (NM_001438874.1, NM_001438875.1).
Identifiers: ClinVar variation 4722238 (VCV004722238.1).